The following is an entry in ClinVar:

ClinVar aggregate classification (germline): Pathogenic (1 of 4 stars; one submission).

Conditions:
Glycogen storage disease, type II (IOPD). Also called: Pompe Disease; CARDIOMEGALIA GLYCOGENICA DIFFUSA; GLYCOGENOSIS, GENERALIZED, CARDIAC FORM; GSD II; POMPE DISEASE, INFANTILE-ONSET; GLYCOGEN STORAGE DISEASE II, INFANTILE-ONSET. Identifiers: Orphanet 365, MedGen C0017921, MONDO:0009290, OMIM 232300.

gnomAD v4.1: 2 of 1,613,430 alleles (0.00012%); highest among the groups gnomAD compares: Non-Finnish European, 0.00017%; no homozygotes.

Submission:

Genomenon, Inc
Classification: Pathogenic for Glycogen storage disease, type II. Last evaluated: 2026-07-01. Review status: criteria provided, single submitter. Criteria: Genomenon Sequence Variant Interpretation Standards - Updated. Collection method: curation. Allele origin: germline. Affected: yes.
Comment: GAA c.1636+5G>C is an intronic variant located in the donor splice region of intron 11. This variant has been observed in at least one proband with a GAA-related disorder (PMID:18429042). At least one splicing study has demonstrated that this variant results in aberrant splicing (PMID:18429042). It is absent or not present at a significant frequency in gnomAD. In conclusion, we classify GAA c.1636+5G>C as a pathogenic variant.

Literature cited by the submitters: PubMed 18429042.

NM_000152.5(GAA):c.1636+5G>C

Gene: GAA (alpha glucosidase; plus strand). Cytogenetic location: 17q25.3.
Variant type: single nucleotide variant.
Coding change: c.1636+5G>C on transcript NM_000152.5 (MANE Select); 5 bases into the intron after coding-DNA position 1636, G replaced by C.
Molecular consequence: intron variant.
Genome position (GRCh38, 1-based): chr17:80,111,030, G>C. VCF-style: chr17-80111030-G-C. GRCh37 (hg19) VCF-style: chr17-78084829-G-C.
Other names: c.1636+5G>C (NM_001406741.1, NM_001406742.1, NM_001079803.3 and 1 more transcripts).
Identifiers: ClinVar variation 4876307 (VCV004876307.1).